The following is an entry in ClinVar:

ClinVar aggregate classification (germline): Uncertain significance. Review status: criteria provided, multiple submitters, no conflicts (2 of 4 stars). 2 submissions from 2 submitters: Uncertain significance (2). Last evaluated 2024-10-22.

Conditions:
Oligodontia-cancer predisposition syndrome. Also called: TOOTH AGENESIS-COLORECTAL CANCER SYNDROME. Identifiers: Orphanet 300576, MedGen C1837750, MONDO:0012075, OMIM 608615. Disease mechanism: loss of function.
Hereditary cancer-predisposing syndrome. Also called: Hereditary Cancer Syndrome; Hereditary neoplastic syndrome; Tumor predisposition; Neoplastic Syndromes, Hereditary. Identifiers: Orphanet 140162, MedGen C0027672, MeSH D009386, MONDO:0015356.

Allele frequency attached by ClinVar (database versions not stated): gnomAD exomes below 0.00001.

Submissions (2):

Labcorp Genetics (formerly Invitae), Labcorp
Classification: Uncertain significance for Oligodontia-cancer predisposition syndrome. Last evaluated: 2024-10-22. Review status: criteria provided, single submitter. Criteria: Invitae Variant Classification Sherloc (09022015). Collection method: clinical testing. Allele origin: germline.
Comment: This sequence change replaces alanine, which is neutral and non-polar, with valine, which is neutral and non-polar, at codon 523 of the AXIN2 protein (p.Ala523Val). This variant is not present in population databases (gnomAD no frequency). This variant has not been reported in the literature in individuals affected with AXIN2-related conditions. ClinVar contains an entry for this variant (Variation ID: 841897). Invitae Evidence Modeling of protein sequence and biophysical properties (such as structural, functional, and spatial information, amino acid conservation, physicochemical variation, residue mobility, and thermodynamic stability) indicates that this missense variant is not expected to disrupt AXIN2 protein function with a negative predictive value of 80%. In summary, the available evidence is currently insufficient to determine the role of this variant in disease. Therefore, it has been classified as a Variant of Uncertain Significance.

Ambry Genetics
Classification: Uncertain significance for Hereditary cancer-predisposing syndrome. Last evaluated: 2024-03-04. Review status: criteria provided, single submitter. Criteria: Ambry Variant Classification Scheme 2023. Collection method: clinical testing. Allele origin: germline.
Comment: The p.A523V variant (also known as c.1568C>T), located in coding exon 5 of the AXIN2 gene, results from a C to T substitution at nucleotide position 1568. The alanine at codon 523 is replaced by valine, an amino acid with similar properties. This amino acid position is conserved. In addition, this alteration is predicted to be tolerated by in silico analysis. Based on the available evidence, the clinical significance of this alteration remains unclear.

NM_004655.4(AXIN2):c.1568C>T (p.Ala523Val)

Gene: AXIN2 (axin 2; minus strand). Cytogenetic location: 17q24.1.
Variant type: single nucleotide variant.
Coding change: c.1568C>T on transcript NM_004655.4 (MANE Select); coding-DNA position 1568, C replaced by T.
Protein change: p.Ala523Val; replaces alanine 523 with valine.
Molecular consequence: missense variant.
Genome position (GRCh38, 1-based): chr17:65,537,468, G>A on the plus strand (C>T on the coding strand, the complement: AXIN2 is on the minus strand). VCF-style: chr17-65537468-G-A. GRCh37 (hg19) VCF-style: chr17-63533586-G-A.
Other names: c.1568C>T, p.Ala523Val (NM_001363813.1); short protein forms A523V.
Identifiers: ClinVar variation 841897 (VCV000841897.10), dbSNP rs2043949134, ClinGen allele CA400677241.